The following is an entry in ClinVar:

ClinVar aggregate classification (germline): Conflicting classifications of pathogenicity. Review status: criteria provided, conflicting classifications (1 of 4 stars). 3 submissions from 3 submitters: Uncertain significance (2); Likely benign (1). Last evaluated 2026-04-16.

Conditions:
Hereditary cancer-predisposing syndrome. Also called: Neoplastic Syndromes, Hereditary; Tumor predisposition; Hereditary Cancer Syndrome; Hereditary neoplastic syndrome. Identifiers: Orphanet 140162, MedGen C0027672, MeSH D009386, MONDO:0015356.
Retinoblastoma (RB1). Also called: RETINOBLASTOMA, SOMATIC. Identifiers: Orphanet 790, MedGen C0035335, MeSH D012175, MONDO:0008380, OMIM 180200, HP:0009919. Disease mechanism: loss of function. Inheritance: Both sporadic and heritable forms are tested..

Allele frequency attached by ClinVar (database versions not stated): gnomAD 0.00001.
gnomAD v4.1: 3 of 1,613,256 alleles (0.00019%); highest among the groups gnomAD compares: Non-Finnish European, 0.00025%; no homozygotes.

Submissions (3):

Ambry Genetics
Classification: Uncertain significance for Hereditary cancer-predisposing syndrome. Last evaluated: 2026-04-16. Review status: criteria provided, single submitter. Criteria: Ambry Variant Classification Scheme 2023. Collection method: clinical testing. Allele origin: germline.

Labcorp Genetics (formerly Invitae), Labcorp
Classification: Likely benign for Retinoblastoma. Last evaluated: 2025-12-24. Review status: criteria provided, single submitter. Criteria: Invitae Variant Classification Sherloc (09022015). Collection method: clinical testing. Allele origin: germline.

GeneDx
Classification: Uncertain significance. Last evaluated: 2023-01-19. Review status: criteria provided, single submitter. Criteria: GeneDx Variant Classification Process June 2021. Collection method: clinical testing. Allele origin: germline. Affected: yes.
Comment: Not observed at significant frequency in large population cohorts (gnomAD); In silico analysis supports that this missense variant does not alter protein structure/function; Has not been previously published as pathogenic or benign to our knowledge; This variant is associated with the following publications: (PMID: 16269091, 23516486)

NM_000321.3(RB1):c.2569C>T (p.Arg857Cys)

Gene: RB1 (RB transcriptional corepressor 1; plus strand). Cytogenetic location: 13q14.2.
Variant type: single nucleotide variant.
Coding change: c.2569C>T on transcript NM_000321.3 (MANE Select); coding-DNA position 2569, C replaced by T.
Protein change: p.Arg857Cys; replaces arginine 857 with cysteine.
Molecular consequence: missense variant.
Genome position (GRCh38, 1-based): chr13:48,476,749, C>T. VCF-style: chr13-48476749-C-T. GRCh37 (hg19) VCF-style: chr13-49050885-C-T.
Other names: c.2569C>T, p.Arg857Cys (NM_001407165.1); c.19C>T, p.Arg7Cys (NM_001407168.1); short protein forms R7C, R857C.
Identifiers: ClinVar variation 1793195 (VCV001793195.10), dbSNP rs1032510984, ClinGen allele CA249287897.